The following is an entry in ClinVar:

NM_004628.5(XPC):c.2782A>C (p.Lys928Gln)

Gene: XPC (XPC complex subunit, DNA damage recognition and repair factor; minus strand). Cytogenetic location: 3p25.1.
Variant type: single nucleotide variant.
Coding change: c.2782A>C on transcript NM_004628.5 (MANE Select); coding-DNA position 2782, A replaced by C.
Protein change: p.Lys928Gln; replaces lysine 928 with glutamine.
Molecular consequence: missense variant. On other transcripts: non-coding transcript variant (2).
Genome position (GRCh38, 1-based): chr3:14,145,982, T>G on the plus strand (A>C on the coding strand, the complement: XPC is on the minus strand). VCF-style: chr3-14145982-T-G. GRCh37 (hg19) VCF-style: chr3-14187482-T-G.
Other names: c.2203A>C, p.Lys735Gln (NM_001354726.2); c.2776A>C, p.Lys926Gln (NM_001354727.2); c.2764A>C, p.Lys922Gln (NM_001354729.2); c.2536A>C, p.Lys846Gln (NM_001354730.2); short protein forms K928Q, K735Q, K846Q, K922Q, K926Q.
Identifiers: ClinVar variation 135472 (VCV000135472.19), dbSNP rs3731177, ClinGen allele CA162874.
Genomic context (GRCh38, chr3:14,145,982, plus strand): 5'-CCTCTAGTGGGCGCTCAGCTCACAGCTGCTCAAATGGGAACAGGTGGGAAGCTGCTGCTT[T>G]CTTTTCCCTTTTGGTCTTCTTGGGCCCACCCTTCAGCTTCTGCTTTTCTTCATCTTCTCG-3'
Protein context (NP_004619.3, residues 918-938): GGPKKTKREK[Lys928Gln]AAASHLFPFE

ClinVar aggregate classification (germline): Benign/Likely benign. Review status: criteria provided, multiple submitters, no conflicts (2 of 4 stars). 6 submissions from 6 submitters: Benign (2); Likely benign (2). 2 of the submissions do not count toward it. Last evaluated 2026-01-28.

Conditions:
XPC-related disorder. Also called: XPC-related condition.
Xeroderma pigmentosum (XP). Identifiers: Orphanet 910, MedGen C0043346, MONDO:0019600.
Xeroderma pigmentosum, group C (XPC). Also called: XPC-Related Xeroderma Pigmentosum; Xeroderma pigmentosum, complementation group C; XERODERMA PIGMENTOSUM III; XP, GROUP C. Identifiers: Orphanet 910, MedGen C2752147, MONDO:0010211, OMIM 278720.

Allele frequency attached by ClinVar (database versions not stated): gnomAD exomes 0.00024 and 0.00056; ExAC 0.00063; ESP Exome Variant Server 0.00190; gnomAD 0.00264 and 0.00285; 1000 Genomes Project 0.00280; 1000 Genomes Project 30x 0.00390; TOPMed 0.00294.
gnomAD v4.1: 769 of 1,608,788 alleles (0.048%); highest among the groups gnomAD compares: African/African-American, 0.93%; 3 homozygotes.

Submissions (6):

Labcorp Genetics (formerly Invitae), Labcorp
Classification: Likely benign. Last evaluated: 2026-01-28. Review status: criteria provided, single submitter. Criteria: Invitae Variant Classification Sherloc (09022015). Collection method: clinical testing. Allele origin: germline.

Genome-Nilou Lab
Classification: Benign for Xeroderma pigmentosum, group C. Last evaluated: 2021-12-05. Review status: criteria provided, single submitter. Criteria: ACMG Guidelines, 2015. Collection method: clinical testing. Allele origin: germline. Affected: no.

Sema4
Classification: Likely benign for Xeroderma pigmentosum. Last evaluated: 2020-11-17. Review status: criteria provided, single submitter. Criteria: Sema4 Curation Guidelines. Collection method: curation. Allele origin: germline.

Illumina Laboratory Services, Illumina
Classification: Benign for Xeroderma pigmentosum, group C. Last evaluated: 2017-04-27. Review status: criteria provided, single submitter. Criteria: ICSL Variant Classification Criteria 13 December 2019. Collection method: clinical testing. Allele origin: germline.
Comment: This variant was observed as part of a predisposition screen in an ostensibly healthy population. A literature search was performed for the gene, cDNA change, and amino acid change (where applicable). Publications were found based on this search. The evidence from the literature, in combination with allele frequency data from public databases where available, was sufficient to rule this variant out of causing disease. Therefore, this variant is classified as benign.

PreventionGenetics, part of Exact Sciences
Classification: Benign for XPC-related condition. Last evaluated: 2024-08-14. Review status: no assertion criteria provided. Collection method: clinical testing. Allele origin: germline. Not counted in ClinVar's aggregate classification.
Comment: This variant is classified as benign based on ACMG/AMP sequence variant interpretation guidelines (Richards et al. 2015 PMID: 25741868, with internal and published modifications).

ITMI
No classification provided. Condition: AllHighlyPenetrant. Last evaluated: 2013-09-19. Review status: no classification provided. Collection method: reference population. Allele origin: germline. Not counted in ClinVar's aggregate classification.
Comment: Please see associated publication for description of ethnicities

Literature cited by the submitters: PubMed 24728327 (cited by Illumina Laboratory Services, Illumina and ITMI).